The following is an entry in ClinVar:

ClinVar aggregate classification (germline): Uncertain significance (1 of 4 stars; one submission).

Conditions:
Neurofibromatosis, type 1 (NF1). Also called: Neurofibromatosis, type I; NEUROFIBROMATOSIS, TYPE I, SOMATIC; Peripheral type neurofibromatosis; VON RECKLINGHAUSEN DISEASE. Identifiers: Orphanet 636, MedGen C0027831, MONDO:0018975, OMIM 162200. Disease mechanism: loss of function.

Submission:

Labcorp Genetics (formerly Invitae), Labcorp
Classification: Uncertain significance for Neurofibromatosis, type 1. Last evaluated: 2023-04-27. Review status: criteria provided, single submitter. Criteria: Invitae Variant Classification Sherloc (09022015). Collection method: clinical testing. Allele origin: germline.
Comment: In summary, the available evidence is currently insufficient to determine the role of this variant in disease. Therefore, it has been classified as a Variant of Uncertain Significance. Advanced modeling of protein sequence and biophysical properties (such as structural, functional, and spatial information, amino acid conservation, physicochemical variation, residue mobility, and thermodynamic stability) has been performed at Invitae for this missense variant, however the output from this modeling did not meet the statistical confidence thresholds required to predict the impact of this variant on NF1 protein function. This variant has not been reported in the literature in individuals affected with NF1-related conditions. This variant is not present in population databases (gnomAD no frequency). This sequence change replaces alanine, which is neutral and non-polar, with aspartic acid, which is acidic and polar, at codon 966 of the NF1 protein (p.Ala966Asp).

NM_001042492.3(NF1):c.2897C>A (p.Ala966Asp)

Gene: NF1 (neurofibromin 1; plus strand). Cytogenetic location: 17q11.2.
Variant type: single nucleotide variant.
Coding change: c.2897C>A on transcript NM_001042492.3 (MANE Select); coding-DNA position 2897, C replaced by A.
Protein change: p.Ala966Asp; replaces alanine 966 with aspartic acid.
Molecular consequence: missense variant.
Genome position (GRCh38, 1-based): chr17:31,229,881, C>A. VCF-style: chr17-31229881-C-A. GRCh37 (hg19) VCF-style: chr17-29556899-C-A.
Other names: c.2897C>A, p.Ala966Asp (NM_000267.4); short protein forms A966D.
Identifiers: ClinVar variation 2859845 (VCV002859845.3), dbSNP rs1567849533, ClinGen allele CA398986115.